The following is an entry in ClinVar:

NM_003128.3(SPTBN1):c.6555C>T (p.Ala2185=)

Genes: SPTBN1 (spectrin beta, non-erythrocytic 1; plus strand), SPTBN1-AS2 (SPTBN1 antisense RNA 2; minus strand). Cytogenetic location: 2p16.2.
Variant type: single nucleotide variant.
Coding change: c.6555C>T on transcript NM_003128.3 (MANE Select); coding-DNA position 6555, C replaced by T.
Protein change: p.Ala2185=; no amino-acid change (alanine 2185 retained).
Molecular consequence: synonymous variant.
Genome position (GRCh38, 1-based): chr2:54,664,587, C>T. VCF-style: chr2-54664587-C-T. GRCh37 (hg19) VCF-style: chr2-54891724-C-T.
Identifiers: ClinVar variation 4873308 (VCV004873308.2).

ClinVar aggregate classification (germline): Likely benign (1 of 4 stars; one submission).

gnomAD v4.1: 45 of 1,614,152 alleles (0.0028%); highest among the groups gnomAD compares: African/African-American, 0.028%; no homozygotes.

Submission:

CeGaT Center for Human Genetics Tuebingen
Classification: Likely benign. Last evaluated: 2026-06-01. Review status: criteria provided, single submitter. Criteria: CeGaT Center For Human Genetics Tuebingen Variant Classification Criteria Version 2. Collection method: clinical testing. Allele origin: germline. Affected: yes. Observed: 1 variant allele.
Comment: SPTBN1: BP4, BP7